The following is an entry in ClinVar:

ClinVar aggregate classification (germline): Uncertain significance. Review status: criteria provided, single submitter (1 of 4 stars). 2 submissions from 2 submitters: Uncertain significance (1). 1 of the submissions does not count toward it. Last evaluated 2024-01-10.

Conditions:
Inborn genetic diseases. Identifiers: MedGen C0950123, MeSH D030342.
Spinocerebellar ataxia, autosomal recessive 32 (SCAR32). Identifiers: MedGen C5676978, MONDO:0859245, OMIM 619862.

Submissions (2):

Ambry Genetics
Classification: Uncertain significance for Inborn genetic diseases. Last evaluated: 2024-01-10. Review status: criteria provided, single submitter. Criteria: Ambry Variant Classification Scheme 2023. Collection method: clinical testing. Allele origin: germline.
Comment: The c.169+1G>A intronic alteration consists of a G to A substitution one nucleotide after coding exon 2 of the PRDX3 gene. Alterations that disrupt the canonical splice site are expected to result in aberrant splicing. The resulting transcript is predicted to be in-frame and is not expected to trigger nonsense-mediated mRNA decay; however, direct evidence is unavailable. The exact functional effect of the altered amino acid sequence is unknown. This variant was not reported in population-based cohorts in the Genome Aggregation Database (gnomAD). This nucleotide position is highly conserved in available vertebrate species. In silico splice site analysis predicts that this alteration will weaken the native splice donor site and will result in the creation or strengthening of a novel splice donor site. Based on insufficient or conflicting evidence, the clinical significance of this alteration remains unclear.

Undiagnosed Diseases Network, NIH
Classification: Pathogenic for Spinocerebellar ataxia, autosomal recessive 32. Last evaluated: 2024-03-20. Review status: no assertion criteria provided. Collection method: clinical testing. Allele origin: maternal. Affected: yes. Observed: 1 variant allele, 1 compound heterozygote. Study: Undiagnosed Diseases Network (NIH), UDN. Not counted in ClinVar's aggregate classification.

NM_006793.5(PRDX3):c.169+1G>A

Gene: PRDX3 (peroxiredoxin 3; minus strand). Cytogenetic location: 10q26.11.
Variant type: single nucleotide variant.
Coding change: c.169+1G>A on transcript NM_006793.5 (MANE Select); the canonical splice donor site of the intron after coding-DNA position 169, G replaced by A.
Molecular consequence: splice donor variant.
Genome position (GRCh38, 1-based): chr10:119,177,020, C>T on the plus strand (G>A on the coding strand, the complement: PRDX3 is on the minus strand). VCF-style: chr10-119177020-C-T. GRCh37 (hg19) VCF-style: chr10-120936532-C-T.
Other names: c.169+1G>A (NM_001302272.2, NM_006793.4).
Identifiers: ClinVar variation 3218489 (VCV003218489.3), dbSNP rs2493987987, ClinGen allele CA378289260.